The following is an entry in ClinVar:

ClinVar aggregate classification (germline): Uncertain significance (1 of 4 stars; one submission).

Conditions:
GNAS-related disorder. Identifiers: MedGen CN380105.

gnomAD v4.1: 6 of 1,581,222 alleles (0.00038%); highest among the groups gnomAD compares: Admixed American, 0.0017%; no homozygotes.

Submission:

PreventionGenetics, part of Exact Sciences
Classification: Uncertain significance for GNAS-related condition. Last evaluated: 2026-03-20. Review status: criteria provided, single submitter. Criteria: ACMG Guidelines, 2015. Collection method: clinical testing. Allele origin: germline.
Comment: The GNAS c.1073T>C variant is predicted to result in the amino acid substitution p.Leu358Pro. To our knowledge, this variant has not been reported in the literature or in a large population database (gnomAD), indicating this variant is rare. This variant is located upstream of the primary transcript. In the primary transcript, this variant can be called: NM_000516:c.-37202T>C (Pre-Coding). At this time, the clinical significance of this variant is uncertain due to the absence of conclusive functional and genetic evidence.

NM_080425.4(GNAS):c.1260T>C (p.Pro420=)

Gene: GNAS (GNAS complex locus; plus strand). Cytogenetic location: 20q13.32.
Variant type: single nucleotide variant.
Coding change: c.1260T>C on transcript NM_080425.4 (MANE Plus Clinical); coding-DNA position 1260, T replaced by C.
Protein change: p.Pro420=; no amino-acid change (proline 420 retained).
Molecular consequence: synonymous variant. On other transcripts: intron variant (3), missense variant (2).
Genome position (GRCh38, 1-based): chr20:58,854,525, T>C. VCF-style: chr20-58854525-T-C. GRCh37 (hg19) VCF-style: chr20-57429580-T-C.
Other names: c.1260T>C, p.Pro420= (NM_001410913.1); c.*42+13639T>C (NM_016592.5); c.43+13639T>C (NM_001410912.1); c.-39+12650T>C (NM_001309861.2); c.1073T>C, p.Leu358Pro (NM_001077490.3, NM_001309883.1); short protein forms L358P.
Identifiers: ClinVar variation 4977666 (VCV004977666.1).